The following is an entry in ClinVar:

ClinVar aggregate classification (germline): Uncertain significance (1 of 4 stars; one submission).

Allele frequency attached by ClinVar (database versions not stated): ExAC 0.00039.

Submission:

Labcorp Genetics (formerly Invitae), Labcorp
Classification: Uncertain significance. Last evaluated: 2022-08-16. Review status: criteria provided, single submitter. Criteria: Invitae Variant Classification Sherloc (09022015). Collection method: clinical testing. Allele origin: germline.
Comment: This sequence change replaces alanine, which is neutral and non-polar, with glycine, which is neutral and non-polar, at codon 1036 of the ELP1 protein (p.Ala1036Gly). The frequency data for this variant in the population databases is considered unreliable, as metrics indicate poor data quality at this position in the gnomAD database. This variant has not been reported in the literature in individuals affected with ELP1-related conditions. ClinVar contains an entry for this variant (Variation ID: 1037684). Algorithms developed to predict the effect of missense changes on protein structure and function (SIFT, PolyPhen-2, Align-GVGD) all suggest that this variant is likely to be tolerated. In summary, the available evidence is currently insufficient to determine the role of this variant in disease. Therefore, it has been classified as a Variant of Uncertain Significance.

NM_003640.5(ELP1):c.3107C>G (p.Ala1036Gly)

Gene: ELP1 (elongator acetyltransferase complex subunit 1; minus strand). Cytogenetic location: 9q31.3.
Variant type: single nucleotide variant.
Coding change: c.3107C>G on transcript NM_003640.5 (MANE Select); coding-DNA position 3107, C replaced by G.
Protein change: p.Ala1036Gly; replaces alanine 1036 with glycine.
Molecular consequence: missense variant.
Genome position (GRCh38, 1-based): chr9:108,891,256, G>C on the plus strand (C>G on the coding strand, the complement: ELP1 is on the minus strand). VCF-style: chr9-108891256-G-C. GRCh37 (hg19) VCF-style: chr9-111653536-G-C.
Other names: c.2765C>G, p.Ala922Gly (NM_001318360.2); c.2060C>G, p.Ala687Gly (NM_001330749.2); short protein forms A687G, A1036G, A922G.
Identifiers: ClinVar variation 1037684 (VCV001037684.6), dbSNP rs766016072, ClinGen allele CA5174431.